The following is an entry in ClinVar:

NM_002191.4(INHA):c.747G>A (p.Leu249=)

Gene: INHA (inhibin subunit alpha; plus strand). Cytogenetic location: 2q35.
Variant type: single nucleotide variant.
Coding change: c.747G>A on transcript NM_002191.4 (MANE Select); coding-DNA position 747, G replaced by A.
Protein change: p.Leu249=; no amino-acid change (leucine 249 retained).
Molecular consequence: synonymous variant.
Genome position (GRCh38, 1-based): chr2:219,575,172, G>A. VCF-style: chr2-219575172-G-A. GRCh37 (hg19) VCF-style: chr2-220439894-G-A.
Identifiers: ClinVar variation 3053242 (VCV003053242.2), dbSNP rs140014760, ClinGen allele CA2132045.

ClinVar aggregate classification (germline): Likely benign (0 of 4 stars; one submission).

Conditions:
INHA-related disorder. Also called: INHA-related condition.

Allele frequency attached by ClinVar (database versions not stated): TOPMed 0.00054; 1000 Genomes Project 0.00060; 1000 Genomes Project 30x 0.00062; ESP Exome Variant Server 0.00062; gnomAD 0.00071; gnomAD exomes 0.00097; ExAC 0.00101.
gnomAD v4.1: 1,509 of 1,614,268 alleles (0.093%); highest among the groups gnomAD compares: South Asian, 0.11%; 2 homozygotes.

Submission:

PreventionGenetics, part of Exact Sciences
Classification: Likely benign for INHA-related condition. Last evaluated: 2019-04-23. Review status: no assertion criteria provided. Collection method: clinical testing. Allele origin: germline.
Comment: This variant is classified as likely benign based on ACMG/AMP sequence variant interpretation guidelines (Richards et al. 2015 PMID: 25741868, with internal and published modifications).